The following is an entry in ClinVar:

ClinVar aggregate classification (germline): Uncertain significance (1 of 4 stars; one submission).

Allele frequency attached by ClinVar (database versions not stated): TOPMed 0.00001.
gnomAD v4.1: 10 of 1,613,998 alleles (0.00062%); highest among the groups gnomAD compares: Non-Finnish European, 0.00076%; no homozygotes.

Submission:

Labcorp Genetics (formerly Invitae), Labcorp
Classification: Uncertain significance. Last evaluated: 2022-11-01. Review status: criteria provided, single submitter. Criteria: Invitae Variant Classification Sherloc (09022015). Collection method: clinical testing. Allele origin: germline.
Comment: In summary, the available evidence is currently insufficient to determine the role of this variant in disease. Therefore, it has been classified as a Variant of Uncertain Significance. Algorithms developed to predict the effect of sequence changes on RNA splicing suggest that this variant may disrupt the consensus splice site. Algorithms developed to predict the effect of missense changes on protein structure and function (SIFT, PolyPhen-2, Align-GVGD) all suggest that this variant is likely to be disruptive. This variant has not been reported in the literature in individuals affected with ASCC1-related conditions. This variant is present in population databases (no rsID available, gnomAD 0.0009%). This sequence change replaces tyrosine, which is neutral and polar, with cysteine, which is neutral and slightly polar, at codon 70 of the ASCC1 protein (p.Tyr70Cys).

NM_001198800.3(ASCC1):c.209A>G (p.Tyr70Cys)

Gene: ASCC1 (activating signal cointegrator 1 complex subunit 1; minus strand). Cytogenetic location: 10q22.1.
Variant type: single nucleotide variant.
Coding change: c.209A>G on transcript NM_001198800.3 (MANE Select); coding-DNA position 209, A replaced by G.
Protein change: p.Tyr70Cys; replaces tyrosine 70 with cysteine.
Molecular consequence: missense variant. On other transcripts: non-coding transcript variant (1).
Genome position (GRCh38, 1-based): chr10:72,210,735, T>C on the plus strand (A>G on the coding strand, the complement: ASCC1 is on the minus strand). VCF-style: chr10-72210735-T-C. GRCh37 (hg19) VCF-style: chr10-73970493-T-C.
Other names: c.209A>G, p.Tyr70Cys (NM_001198798.2, NM_001198799.3, NM_001369087.1 and 19 more transcripts); c.275A>G, p.Tyr92Cys (NM_001369085.1, NM_001369086.1, NM_001369099.1); c.92A>G, p.Tyr31Cys (NM_001369101.1, NM_001369102.1, NM_001369105.1 and 2 more transcripts); short protein forms Y70C, Y31C, Y92C.
Identifiers: ClinVar variation 1910152 (VCV001910152.4), dbSNP rs1159002488, ClinGen allele CA377148700.
Genomic context (GRCh38, chr10:72,210,735, plus strand): 5'-TTCCCGCTGAGTTTCCTGGAAGTGTCTTCCCATGAAACTGTTGGGGACATGACTCACTTA[T>C]AGAGCAAGCTGGGGGCCCTCAAAGTAGACCGGAATCCTTGTGGGGTCTGCTCCACCTCGT-3'
Protein context (NP_001185729.1, residues 60-80): RSTLRAPSLL[Tyr70Cys]KHIVGKRGDT